The following is an entry in ClinVar:

ClinVar aggregate classification (germline): Conflicting classifications of pathogenicity. Review status: criteria provided, conflicting classifications (1 of 4 stars). 2 submissions from 2 submitters: Uncertain significance (1); Likely benign (1). Last evaluated 2025-03-20.

Conditions:
ADGRV1-related disorder. Also called: ADGRV1-related condition; ADGRV1-related disorders.

Allele frequency attached by ClinVar (database versions not stated): gnomAD 0.00001; TOPMed 0.00001.
gnomAD v4.1: 4 of 1,609,560 alleles (0.00025%); highest among the groups gnomAD compares: African/African-American, 0.0013%; no homozygotes.

Submissions (2):

PreventionGenetics, part of Exact Sciences
Classification: Uncertain significance for ADGRV1-related condition. Last evaluated: 2025-03-20. Review status: criteria provided, single submitter. Criteria: ACMG Guidelines, 2015. Collection method: clinical testing. Allele origin: germline.
Comment: The ADGRV1 c.11479G>A variant is predicted to result in the amino acid substitution p.Asp3827Asn. To our knowledge, this variant has not been reported in the literature. This variant is reported in 0.0065% of alleles in individuals of African descent in gnomAD. At this time, the clinical significance of this variant is uncertain due to the absence of conclusive functional and genetic evidence.

Labcorp Genetics (formerly Invitae), Labcorp
Classification: Likely benign. Last evaluated: 2023-10-29. Review status: criteria provided, single submitter. Criteria: Invitae Variant Classification Sherloc (09022015). Collection method: clinical testing. Allele origin: germline.

NM_032119.4(ADGRV1):c.11479G>A (p.Asp3827Asn)

Gene: ADGRV1 (adhesion G protein-coupled receptor V1; plus strand). Cytogenetic location: 5q14.3.
Variant type: single nucleotide variant.
Coding change: c.11479G>A on transcript NM_032119.4 (MANE Select); coding-DNA position 11479, G replaced by A.
Protein change: p.Asp3827Asn; replaces aspartic acid 3827 with asparagine.
Molecular consequence: missense variant. On other transcripts: non-coding transcript variant (1).
Genome position (GRCh38, 1-based): chr5:90,755,084, G>A. VCF-style: chr5-90755084-G-A. GRCh37 (hg19) VCF-style: chr5-90050901-G-A.
Other names: c.11479G>A (NM_032119.3); short protein forms D3827N.
Identifiers: ClinVar variation 2963142 (VCV002963142.4), dbSNP rs1266660894, ClinGen allele CA360366803.
Genomic context (GRCh38, chr5:90,755,084, plus strand): 5'-GGACTACTTGGGGATATTGCCATTCACTTGAGAGCTCAACCCAATTTCTTACTGCATGTC[G>A]ATAATCAAGCTACTGAGAATGAAGATTATGTATTGCAAGAAACAATAATAATAATGAAAG-3'
Protein context (NP_115495.3, residues 3817-3837): RAQPNFLLHV[Asp3827Asn]NQATENEDYV